The following is an entry in ClinVar:

ClinVar aggregate classification (germline): Uncertain significance (1 of 4 stars; one submission).

Conditions:
Arrhythmogenic right ventricular cardiomyopathy (ARVD). Also called: Arrhythmogenic cardiomyopathy; Arrhythmogenic Right Ventricular Cardiomyopathy (ARVC); Cardiomyopathy, ARVC; Arrhythmogenic right ventricular dysplasia. Identifiers: Orphanet 247, MedGen C0349788, MeSH D019571, MONDO:0016587. Disease mechanism: loss of function. Inheritance: Various modes of inheritance.

Submission:

Helix
Classification: Uncertain significance for Arrhythmogenic right ventricular cardiomyopathy. Last evaluated: 2025-07-29. Review status: criteria provided, single submitter. Criteria: ACMG Guidelines, 2015. Collection method: clinical testing. Allele origin: germline. Inheritance: Autosomal dominant inheritance.
Comment: This variant (NM_004415.4:c.6473T>C p.Leu2158Ser) results in the substitution of leucine with serine at codon 2158 in the DSP protein. It is a rare variant that is absent from the large gnomAD population database (v4.1). To our knowledge, this variant has not been reported in individuals with DSP-related conditions. In silico prediction from REVEL (PMID: 27666373) is indeterminate. In conclusion, since the available evidence is limited, the clinical significance of this variant is unclear at this time. Therefore, it is classified as a Variant of Uncertain Significance.

NM_004415.4(DSP):c.6473T>C (p.Leu2158Ser)

Gene: DSP (desmoplakin; plus strand). Cytogenetic location: 6p24.3.
Variant type: single nucleotide variant.
Coding change: c.6473T>C on transcript NM_004415.4 (MANE Select); coding-DNA position 6473, T replaced by C.
Protein change: p.Leu2158Ser; replaces leucine 2158 with serine.
Molecular consequence: missense variant.
Genome position (GRCh38, 1-based): chr6:7,583,735, T>C. VCF-style: chr6-7583735-T-C. GRCh37 (hg19) VCF-style: chr6-7583968-T-C.
Other names: c.4676T>C, p.Leu1559Ser (NM_001008844.3); c.5144T>C, p.Leu1715Ser (NM_001319034.2); short protein forms L1559S, L1715S, L2158S.
Identifiers: ClinVar variation 4890796 (VCV004890796.1).